The following is an entry in ClinVar:

ClinVar aggregate classification (germline): Pathogenic (1 of 4 stars; one submission).

Conditions:
Multiple congenital exostosis (EXT). Also called: Multiple exostoses; Hereditary multiple exostoses; Hereditary multiple exostosis; MULTIPLE CARTILAGINOUS EXOSTOSES; Hereditary multiple osteochondromas; Multiple osteochondromas. Identifiers: Orphanet 321, MedGen C0015306, MONDO:0005508, HP:0002762.

Submission:

Labcorp Genetics (formerly Invitae), Labcorp
Classification: Pathogenic for Multiple congenital exostosis. Last evaluated: 2017-11-30. Review status: criteria provided, single submitter. Criteria: Invitae Variant Classification Sherloc (09022015). Collection method: clinical testing. Allele origin: germline.
Comment: This sequence change creates a premature translational stop signal (p.Asn73Thrfs*63) in the EXT1 gene. It is expected to result in an absent or disrupted protein product. This variant has been reported in several individuals affected with hereditary multiple osteochondromas, and in at least one of these individuals this variant has been found to arise de novo (PMID: 19810120, 22258776, 24532482). For these reasons, this variant has been classified as Pathogenic. Loss-of-function variants in EXT1 are known to be pathogenic (PMID: 10679937, 11391482, 19810120). This variant is not present in population databases (ExAC no frequency).

Literature cited by the submitters: PubMed 19810120; PubMed 22258776; PubMed 24532482; PubMed 10679937; PubMed 11391482.

NM_000127.3(EXT1):c.218del (p.Asn73fs)

Gene: EXT1 (exostosin glycosyltransferase 1; minus strand). Cytogenetic location: 8q24.11.
Variant type: Deletion.
Coding change: c.218del on transcript NM_000127.3 (MANE Select); coding-DNA position 218, one base deleted (A; older notation c.218delA).
Protein change: p.Asn73fs; shifts the reading frame from asparagine 73.
Molecular consequence: frameshift variant.
Genome position (GRCh38, 1-based): chr8:118,110,829, T deleted on the plus strand (A on the coding strand, the reverse complement: EXT1 is on the minus strand); the first of 4 consecutive T bases (chr8:118,110,829-118,110,832); deleting any one gives the same sequence. VCF-style (leftmost placement, unchanged base first): chr8-118110828-GT-G. GRCh37 (hg19) VCF-style: chr8-119123067-GT-G.
Other names: c.218delA (NM_000127.2); short protein forms N73fs.
Identifiers: ClinVar variation 526304 (VCV000526304.8), dbSNP rs1554601568, ClinGen allele CA658797145.